The following is an entry in ClinVar:

NM_001042492.3(NF1):c.3133C>G (p.Leu1045Val)

Gene: NF1 (neurofibromin 1; plus strand). Cytogenetic location: 17q11.2.
Variant type: single nucleotide variant.
Coding change: c.3133C>G on transcript NM_001042492.3 (MANE Select); coding-DNA position 3133, C replaced by G.
Protein change: p.Leu1045Val; replaces leucine 1045 with valine.
Molecular consequence: missense variant.
Genome position (GRCh38, 1-based): chr17:31,230,861, C>G. VCF-style: chr17-31230861-C-G. GRCh37 (hg19) VCF-style: chr17-29557879-C-G.
Other names: c.3133C>G, p.Leu1045Val (NM_000267.4); short protein forms L1045V.
Identifiers: ClinVar variation 3404656 (VCV003404656.1).
Genomic context (GRCh38, chr17:31,230,861, plus strand): 5'-AAACATTGTTTGCTGTTTCTCTTTTCTCCACCATTCTATAGGAATAAGATGGTAGAATAC[C>G]TGACAGACTGGGTTATGGGAACATCAAACCAAGCAGCAGATGATGATGTAAAATGTCTTA-3'
Protein context (NP_001035957.1, residues 1035-1055): MKFRNKMVEY[Leu1045Val]TDWVMGTSNQ

ClinVar aggregate classification (germline): Uncertain significance (1 of 4 stars; one submission).

Conditions:
Hereditary cancer-predisposing syndrome. Also called: Hereditary Cancer Syndrome; Tumor predisposition; Hereditary neoplastic syndrome; Neoplastic Syndromes, Hereditary. Identifiers: Orphanet 140162, MedGen C0027672, MeSH D009386, MONDO:0015356.
Cardiovascular phenotype. Identifiers: MedGen CN230736.

Submission:

Ambry Genetics
Classification: Uncertain significance for Cardiovascular phenotype; Hereditary cancer-predisposing syndrome. Last evaluated: 2024-07-05. Review status: criteria provided, single submitter. Criteria: Ambry Variant Classification Scheme 2023. Collection method: clinical testing. Allele origin: germline.
Comment: The p.L1045V variant (also known as c.3133C>G), located in coding exon 24 of the NF1 gene, results from a C to G substitution at nucleotide position 3133. The leucine at codon 1045 is replaced by valine, an amino acid with highly similar properties. This amino acid position is conserved. In addition, this alteration is predicted to be tolerated by in silico analysis. Based on the available evidence, the clinical significance of this variant remains unclear.